The following is an entry in ClinVar:

NM_014991.6(WDFY3):c.9445C>T (p.Arg3149Ter)

Gene: WDFY3 (WD repeat and FYVE domain containing 3; minus strand). Cytogenetic location: 4q21.23.
Variant type: single nucleotide variant.
Coding change: c.9445C>T on transcript NM_014991.6 (MANE Select); coding-DNA position 9445, C replaced by T.
Protein change: p.Arg3149Ter; replaces arginine 3149 with a stop codon.
Molecular consequence: nonsense.
Genome position (GRCh38, 1-based): chr4:84,688,184, G>A on the plus strand (C>T on the coding strand, the complement: WDFY3 is on the minus strand). VCF-style: chr4-84688184-G-A. GRCh37 (hg19) VCF-style: chr4-85609337-G-A.
Other names: short protein forms R3149*.
Identifiers: ClinVar variation 5018561 (VCV005018561.1).

ClinVar aggregate classification (germline): Likely pathogenic (1 of 4 stars; one submission).

Conditions:
Microcephaly 18, primary, autosomal dominant (MCPH18). Identifiers: MedGen C4479608, MONDO:0054593, OMIM 617520.

gnomAD v4.1: 1 of 1,614,156 alleles (0.000062%); highest among the groups gnomAD compares: South Asian, 0.0011%; no homozygotes.

Submission:

Juno Genomics, Hangzhou Juno Genomics, Inc
Classification: Likely pathogenic for Microcephaly 18, primary, autosomal dominant. Review status: criteria provided, single submitter. Criteria: ACMG Guidelines, 2015. Collection method: clinical testing. Allele origin: germline. Affected: yes.
Comment: Absent from controls (or at extremely low frequency if recessive) in Genome Aggregation Database.;Null variant in a gene where loss of function (LOF) is a known mechanism of disease.